The following is an entry in ClinVar:

ClinVar aggregate classification (germline): Uncertain significance. Review status: criteria provided, multiple submitters, no conflicts (2 of 4 stars). 2 submissions from 2 submitters: Uncertain significance (2). Last evaluated 2024-04-29.

Conditions:
Xanthinuria type II. Also called: Xanthine dehydrogenase and aldehyde oxidase combined deficiency of; XDH and AOX dual deficiency. Identifiers: Orphanet 3467, Orphanet 93602, MedGen C1863688, MONDO:0011346, OMIM 603592.
Hereditary xanthinuria type 1 (XAN1). Identifiers: Orphanet 3467, Orphanet 93601, MedGen C0268118, MONDO:0010209, OMIM 278300.

Allele frequency attached by ClinVar (database versions not stated): TOPMed 0.00001; ESP Exome Variant Server 0.00008; gnomAD exomes 0.00011; gnomAD 0.00012; ExAC 0.00016.
gnomAD v4.1: 181 of 1,614,038 alleles (0.011%); highest among the groups gnomAD compares: Middle Eastern, 0.049%; 1 homozygote.

Submissions (2):

Fulgent Genetics
Classification: Uncertain significance for Hereditary xanthinuria type 1. Last evaluated: 2024-04-29. Review status: criteria provided, single submitter. Criteria: ACMG Guidelines, 2015. Collection method: clinical testing. Allele origin: germline.

Labcorp Genetics (formerly Invitae), Labcorp
Classification: Uncertain significance for Xanthinuria type II. Last evaluated: 2023-06-25. Review status: criteria provided, single submitter. Criteria: Invitae Variant Classification Sherloc (09022015). Collection method: clinical testing. Allele origin: germline.
Comment: This sequence change replaces proline, which is neutral and non-polar, with leucine, which is neutral and non-polar, at codon 134 of the XDH protein (p.Pro134Leu). This variant is present in population databases (rs377748577, gnomAD 0.2%). This variant has not been reported in the literature in individuals affected with XDH-related conditions. An algorithm developed to predict the effect of missense changes on protein structure and function (PolyPhen-2) suggests that this variant is likely to be disruptive. In summary, the available evidence is currently insufficient to determine the role of this variant in disease. Therefore, it has been classified as a Variant of Uncertain Significance.

NM_000379.4(XDH):c.401C>T (p.Pro134Leu)

Gene: XDH (xanthine dehydrogenase; minus strand). Cytogenetic location: 2p23.1.
Variant type: single nucleotide variant.
Coding change: c.401C>T on transcript NM_000379.4 (MANE Select); coding-DNA position 401, C replaced by T.
Protein change: p.Pro134Leu; replaces proline 134 with leucine.
Molecular consequence: missense variant.
Genome position (GRCh38, 1-based): chr2:31,398,605, G>A on the plus strand (C>T on the coding strand, the complement: XDH is on the minus strand). VCF-style: chr2-31398605-G-A. GRCh37 (hg19) VCF-style: chr2-31621471-G-A.
Other names: short protein forms P134L.
Identifiers: ClinVar variation 2715181 (VCV002715181.3), dbSNP rs377748577, ClinGen allele CA1599655.
Genomic context (GRCh38, chr2:31,398,605, plus strand): 5'-CTCCTAGGCTGTGCCTGAAGGCCCATACCTTGGAAGGCATTCTCAATCTCCTCCATGGTG[G>A]GCTCGGGCTGATTCCGGAGCAGTGTGTACATACTCATGACGATGCCAGGGGTGCAGAACC-3'
Protein context (NP_000370.2, residues 124-144): MYTLLRNQPE[Pro134Leu]TMEEIENAFQ